The following is an entry in ClinVar:

ClinVar aggregate classification (germline): Conflicting classifications of pathogenicity. Review status: criteria provided, conflicting classifications (1 of 4 stars). 2 submissions from 2 submitters: Uncertain significance (1); Likely benign (1). Last evaluated 2025-12-30.

Conditions:
Adams-Oliver syndrome 5 (AOS5). Identifiers: Orphanet 974, MedGen C4014970, MONDO:0014459, OMIM 616028.

Allele frequency attached by ClinVar (database versions not stated): gnomAD 0.00003; TOPMed 0.00011.
gnomAD v4.1: 23 of 1,609,550 alleles (0.0014%); highest among the groups gnomAD compares: Admixed American, 0.015%; no homozygotes.

Submissions (2):

Labcorp Genetics (formerly Invitae), Labcorp
Classification: Likely benign for Adams-Oliver syndrome 5. Last evaluated: 2025-12-30. Review status: criteria provided, single submitter. Criteria: Invitae Variant Classification Sherloc (09022015). Collection method: clinical testing. Allele origin: germline.

Mayo Clinic Laboratories, Mayo Clinic
Classification: Uncertain significance. Last evaluated: 2023-10-31. Review status: criteria provided, single submitter. Criteria: ACMG Guidelines, 2015. Collection method: clinical testing. Allele origin: germline. Observed: 1 variant allele.
Comment: BP4, PP2, PM2

NM_017617.5(NOTCH1):c.5777G>A (p.Arg1926His)

Gene: NOTCH1 (notch receptor 1; minus strand). Cytogenetic location: 9q34.3.
Variant type: single nucleotide variant.
Coding change: c.5777G>A on transcript NM_017617.5 (MANE Select); coding-DNA position 5777, G replaced by A.
Protein change: p.Arg1926His; replaces arginine 1926 with histidine.
Molecular consequence: missense variant.
Genome position (GRCh38, 1-based): chr9:136,500,709, C>T on the plus strand (G>A on the coding strand, the complement: NOTCH1 is on the minus strand). VCF-style: chr9-136500709-C-T. GRCh37 (hg19) VCF-style: chr9-139395161-C-T.
Other names: p.Arg1926His; c.5777G>A, p.Arg1926His (LRG_1122t1); short protein forms R1926H.
Identifiers: ClinVar variation 544195 (VCV000544195.9), dbSNP rs771407924, ClinGen allele CA5340130.